The following is an entry in ClinVar:

NM_000051.4(ATM):c.4327C>T (p.His1443Tyr)

Gene: ATM (ATM serine/threonine kinase; plus strand). Cytogenetic location: 11q22.3.
Variant type: single nucleotide variant.
Coding change: c.4327C>T on transcript NM_000051.4 (MANE Select); coding-DNA position 4327, C replaced by T.
Protein change: p.His1443Tyr; replaces histidine 1443 with tyrosine.
Molecular consequence: missense variant.
Genome position (GRCh38, 1-based): chr11:108,289,692, C>T. VCF-style: chr11-108289692-C-T. GRCh37 (hg19) VCF-style: chr11-108160419-C-T.
Other names: c.4327C>T, p.His1443Tyr (NM_001351834.2); short protein forms H1443Y.
Identifiers: ClinVar variation 453515 (VCV000453515.9), dbSNP rs1555097538, ClinGen allele CA382531879.

ClinVar aggregate classification (germline): Uncertain significance. Review status: criteria provided, multiple submitters, no conflicts (2 of 4 stars). 2 submissions from 2 submitters: Uncertain significance (2). Last evaluated 2022-03-27.

Conditions:
Ataxia-telangiectasia syndrome (AT). Also called: Cerebello-oculocutaneous telangiectasia; Immunodeficiency with ataxia telangiectasia; Ataxia-telangiectasia, complementation group D; AT, COMPLEMENTATION GROUP C; Ataxia-telangiectasia, complementation group E; LOUIS-BAR SYNDROME. Identifiers: Orphanet 100, MedGen C0004135, MONDO:0008840, OMIM 208900.
Familial cancer of breast. Also called: Hereditary breast cancer; hereditary breast carcinoma; BREAST CANCER, FAMILIAL. Identifiers: Orphanet 227535, MedGen C0346153, MONDO:0016419, OMIM 114480. Disease mechanism: loss of function.

Allele frequency attached by ClinVar (database versions not stated): gnomAD exomes below 0.00001.
gnomAD v4.1: 1 of 1,613,402 alleles (0.000062%); highest among the groups gnomAD compares: African/African-American, 0.0013%; no homozygotes.

Submissions (2):

Baylor Genetics
Classification: Uncertain significance for Familial cancer of breast. Last evaluated: 2022-03-27. Review status: criteria provided, single submitter. Criteria: ACMG Guidelines, 2015. Collection method: clinical testing. Allele origin: unknown.

Labcorp Genetics (formerly Invitae), Labcorp
Classification: Uncertain significance for Ataxia-telangiectasia syndrome. Last evaluated: 2017-03-19. Review status: criteria provided, single submitter. Criteria: Invitae Variant Classification Sherloc (09022015). Collection method: clinical testing. Allele origin: germline.
Comment: This variant is not present in population databases (ExAC no frequency) and has not been reported in the literature in individuals with an ATM-related disease. In summary, this variant is a novel missense change with uncertain impact on protein function. It has been classified as a Variant of Uncertain Significance. Algorithms developed to predict the effect of missense changes on protein structure and function do not agree on the potential impact of this missense change (SIFT: "Deleterious"; PolyPhen-2: "Benign"; Align-GVGD: "Class C15"). This sequence change replaces histidine with tyrosine at codon 1443 of the ATM protein (p.His1443Tyr). The histidine residue is moderately conserved and there is a moderate physicochemical difference between histidine and tyrosine.